The following is an entry in ClinVar:

ClinVar aggregate classification (germline): Conflicting classifications of pathogenicity. Review status: criteria provided, conflicting classifications (1 of 4 stars). 2 submissions from 2 submitters: Likely pathogenic (1); Uncertain significance (1). Last evaluated 2025-06-27.

Conditions:
GARS1-related disorder. Also called: GARS1-related condition.

Allele frequency attached by ClinVar (database versions not stated): gnomAD exomes below 0.00001.

Submissions (2):

PreventionGenetics, part of Exact Sciences
Classification: Uncertain significance for GARS1-related condition. Last evaluated: 2025-06-27. Review status: criteria provided, single submitter. Criteria: ACMG Guidelines, 2015. Collection method: clinical testing. Allele origin: germline.
Comment: The GARS1 c.875T>C variant is predicted to result in the amino acid substitution p.Met292Thr. To our knowledge, this variant has not been reported in the literature or in a large population database (gnomAD), indicating this variant is rare. An alternate nucleotide change impacting the same amino acid position has been reported in at least one individual with Charcot-Marie-Tooth disease (referred to as p.M238R on alternate transcript NM_001316772 in Hsu et al. 2019. PubMed ID: 31211173). At this time, the clinical significance of this variant is uncertain due to the absence of conclusive functional and genetic evidence.

GeneDx
Classification: Likely pathogenic. Last evaluated: 2018-06-18. Review status: criteria provided, single submitter. Criteria: GeneDx Variant Classification (06012015). Collection method: clinical testing. Allele origin: germline. Affected: yes.
Comment: The M292T variant in the GARS gene has not been reported previously as a pathogenic variant, nor as a benign variant, to our knowledge. This variant was not observed in approximately 5900 individuals of European and African American ancestry in the NHLBI Exome Sequencing Project, indicating it is not a common benign variant in these populations. The M292T variant is a non-conservative amino acid substitution, which is likely to impact secondary protein structure as these residues differ in polarity, charge, size and/or other properties. This substitution occurs at a position where amino acids with similar properties to Methionine are tolerated across species. In silico analysis is inconsistent in its predictions as to whether or not the variant is damaging to the protein structure/function. A missense variant in the same residue (M292R) has been reported (as M238R due to the use of alternative nomenclature) in association with Charcot Marie Tooth disease type 2 (Liao et al., 2015), supporting the functional importance of this residue of the protein. The M292T variant is a strong candidate for a pathogenic variant, however, the possibility it may be a rare benign variant cannot be excluded.

NM_002047.4(GARS1):c.875T>C (p.Met292Thr)

Gene: GARS1 (glycyl-tRNA synthetase 1; plus strand). Cytogenetic location: 7p14.3.
Variant type: single nucleotide variant.
Coding change: c.875T>C on transcript NM_002047.4 (MANE Select); coding-DNA position 875, T replaced by C.
Protein change: p.Met292Thr; replaces methionine 292 with threonine.
Molecular consequence: missense variant.
Genome position (GRCh38, 1-based): chr7:30,609,724, T>C. VCF-style: chr7-30609724-T-C. GRCh37 (hg19) VCF-style: chr7-30649340-T-C.
Other names: c.875T>C (LRG_243t1, NM_002047.3); c.713T>C, p.Met238Thr (NM_001316772.1); short protein forms M292T, M238T.
Identifiers: ClinVar variation 421418 (VCV000421418.3), dbSNP rs1064795123, ClinGen allele CA16618453.